The following is an entry in ClinVar:

ClinVar aggregate classification (germline): Uncertain significance. Review status: criteria provided, multiple submitters, no conflicts (2 of 4 stars). 2 submissions from 2 submitters: Uncertain significance (2). Last evaluated 2024-06-26.

Allele frequency attached by ClinVar (database versions not stated): gnomAD 0.00001.
gnomAD v4.1: 11 of 1,609,250 alleles (0.00068%); highest among the groups gnomAD compares: African/African-American, 0.0013%; no homozygotes.

Submissions (2):

Blueprint Genetics
Classification: Uncertain significance. Last evaluated: 2024-06-26. Review status: criteria provided, single submitter. Criteria: ACMG Guidelines, 2015. Collection method: clinical testing. Allele origin: germline.

Labcorp Genetics (formerly Invitae), Labcorp
Classification: Uncertain significance. Last evaluated: 2022-05-08. Review status: criteria provided, single submitter. Criteria: Invitae Variant Classification Sherloc (09022015). Collection method: clinical testing. Allele origin: germline.
Comment: The frequency data for this variant in the population databases is considered unreliable, as metrics indicate poor data quality at this position in the gnomAD database. In summary, the available evidence is currently insufficient to determine the role of this variant in disease. Therefore, it has been classified as a Variant of Uncertain Significance. Algorithms developed to predict the effect of missense changes on protein structure and function are either unavailable or do not agree on the potential impact of this missense change (SIFT: "Deleterious"; PolyPhen-2: "Possibly Damaging"; Align-GVGD: "Class C0"). This variant has not been reported in the literature in individuals affected with DVL1-related conditions. This sequence change replaces serine, which is neutral and polar, with asparagine, which is neutral and polar, at codon 210 of the DVL1 protein (p.Ser210Asn).

NM_001330311.2(DVL1):c.629G>A (p.Ser210Asn)

Gene: DVL1 (dishevelled segment polarity protein 1; minus strand). Cytogenetic location: 1p36.33.
Variant type: single nucleotide variant.
Coding change: c.629G>A on transcript NM_001330311.2 (MANE Select); coding-DNA position 629, G replaced by A.
Protein change: p.Ser210Asn; replaces serine 210 with asparagine.
Molecular consequence: missense variant.
Genome position (GRCh38, 1-based): chr1:1,340,480, C>T on the plus strand (G>A on the coding strand, the complement: DVL1 is on the minus strand). VCF-style: chr1-1340480-C-T. GRCh37 (hg19) VCF-style: chr1-1275860-C-T.
Other names: c.629G>A, p.Ser210Asn (NM_004421.3); short protein forms S210N.
Identifiers: ClinVar variation 1904431 (VCV001904431.6), dbSNP rs879471134, ClinGen allele CA337872122.